The following is an entry in ClinVar:

NM_001754.5(RUNX1):c.806-7T>G

Gene: RUNX1 (RUNX family transcription factor 1; minus strand). Cytogenetic location: 21q22.12.
Variant type: single nucleotide variant.
Coding change: c.806-7T>G on transcript NM_001754.5 (MANE Select); 7 bases into the intron before coding-DNA position 806, T replaced by G.
Molecular consequence: intron variant.
Genome position (GRCh38, 1-based): chr21:34,799,469, A>C on the plus strand (T>G on the coding strand, the complement: RUNX1 is on the minus strand). VCF-style: chr21-34799469-A-C. GRCh37 (hg19) VCF-style: chr21-36171766-A-C.
Other names: c.725-7T>G (NM_001001890.3).
Identifiers: ClinVar variation 1142515 (VCV001142515.10), dbSNP rs2056578336, ClinGen allele CA2387257554.

ClinVar aggregate classification (germline): Uncertain significance. Review status: reviewed by expert panel (3 of 4 stars). 2 submissions from 2 submitters: Uncertain significance (1). 1 of the submissions does not count toward it. Last evaluated 2024-07-11.

Conditions:
Hereditary thrombocytopenia and hematological cancer predisposition syndrome associated with RUNX1. Also called: Familial Platelet Disorder with Propensity to Acute Myelogenous Leukemia; Familial thrombocytopenia with propensity to acute myelogenous leukemia; PLATELET DISORDER, ASPIRIN-LIKE; RUNX1 Familial Platelet Disorder with Associated Myeloid Malignancies. Identifiers: Orphanet 71290, MedGen C1832388, MeSH C563324, MONDO:0100083, OMIM 601399.
Hereditary thrombocytopenia and hematologic cancer predisposition syndrome. Identifiers: Orphanet 71290, MedGen CN281654, MONDO:0011071.

Allele frequency attached by ClinVar (database versions not stated): gnomAD exomes below 0.00001.

Submissions (2):

ClinGen Myeloid Malignancy Variant Curation Expert Panel
Classification: Uncertain significance for Hereditary thrombocytopenia and hematologic cancer predisposition syndrome. Last evaluated: 2024-07-11. Review status: reviewed by expert panel. Criteria: ClinGen MyeloMalig ACMG Specifications v2. Collection method: curation. Allele origin: germline. Inheritance: Autosomal dominant inheritance.
Comment: NM_001754.5(RUNX1):c.806-7T>G is an intronic variant predicted by SpliceAI not to impact splicing (BP4). However, it is located at a conserved nucleotide (PhyloP score = 2.8582 in GRCh38), and the variant is not the reference nucleotide in one primate and/or three mammal species. It is absent from gnomAD v2 and v3 (PM2_Supporting) and has not been reported in cases or the literature. In summary, the clinical significance of this variant is uncertain. ACMG/AMP criteria applied, as specified by the ClinGen Myeloid Malignancy Variant Curation Expert Panel: BP4, PM2_Supporting.

Labcorp Genetics (formerly Invitae), Labcorp
Classification: Likely benign for Hereditary thrombocytopenia and hematological cancer predisposition syndrome associated with RUNX1. Last evaluated: 2022-01-27. Review status: criteria provided, single submitter. Criteria: Invitae Variant Classification Sherloc (09022015). Collection method: clinical testing. Allele origin: germline. Not counted in ClinVar's aggregate classification.